The following is an entry in ClinVar:

ClinVar aggregate classification (germline): Uncertain significance. Review status: criteria provided, single submitter (1 of 4 stars). 2 submissions from 2 submitters: Uncertain significance (1). 1 of the submissions does not count toward it. Last evaluated 2021-11-02.

Conditions:
Usher syndrome type 2A. Also called: RETINAL DISEASE IN USHER SYNDROME TYPE IIA, MODIFIER OF; USHER SYNDROME, TYPE IIA. Identifiers: Orphanet 231178, Orphanet 886, MedGen C1848634, MONDO:0010169, OMIM 276901.

Submissions (2):

Labcorp Genetics (formerly Invitae), Labcorp
Classification: Uncertain significance. Last evaluated: 2021-11-02. Review status: criteria provided, single submitter. Criteria: Invitae Variant Classification Sherloc (09022015). Collection method: clinical testing. Allele origin: germline.
Comment: This sequence change replaces serine, which is neutral and polar, with cysteine, which is neutral and slightly polar, at codon 2466 of the USH2A protein (p.Ser2466Cys). This variant is not present in population databases (gnomAD no frequency). This variant has not been reported in the literature in individuals affected with USH2A-related conditions. Algorithms developed to predict the effect of missense changes on protein structure and function are either unavailable or do not agree on the potential impact of this missense change (SIFT: "Deleterious"; PolyPhen-2: "Benign"; Align-GVGD: "Class C0"). In summary, the available evidence is currently insufficient to determine the role of this variant in disease. Therefore, it has been classified as a Variant of Uncertain Significance.

Natera, Inc.
Classification: Uncertain significance for Usher syndrome type 2A. Last evaluated: 2025-04-29. Review status: no assertion criteria provided. Collection method: clinical testing. Allele origin: germline. Not counted in ClinVar's aggregate classification.

NM_206933.4(USH2A):c.7397C>G (p.Ser2466Cys)

Gene: USH2A (usherin; minus strand). Cytogenetic location: 1q41.
Variant type: single nucleotide variant.
Coding change: c.7397C>G on transcript NM_206933.4 (MANE Select); coding-DNA position 7397, C replaced by G.
Protein change: p.Ser2466Cys; replaces serine 2466 with cysteine.
Molecular consequence: missense variant.
Genome position (GRCh38, 1-based): chr1:215,900,809, G>C on the plus strand (C>G on the coding strand, the complement: USH2A is on the minus strand). VCF-style: chr1-215900809-G-C. GRCh37 (hg19) VCF-style: chr1-216074151-G-C.
Other names: c.7397C>G (NM_206933.2); short protein forms S2466C.
Identifiers: ClinVar variation 1390820 (VCV001390820.7), dbSNP rs1665475399, ClinGen allele CA344849739.